The following is an entry in ClinVar:

NM_001366385.1(CARD14):c.619A>G (p.Asn207Asp)

Gene: CARD14 (caspase recruitment domain family member 14; plus strand). Cytogenetic location: 17q25.3.
Variant type: single nucleotide variant.
Coding change: c.619A>G on transcript NM_001366385.1 (MANE Select); coding-DNA position 619, A replaced by G.
Protein change: p.Asn207Asp; replaces asparagine 207 with aspartic acid.
Molecular consequence: missense variant. On other transcripts: non-coding transcript variant (1).
Genome position (GRCh38, 1-based): chr17:80,184,182, A>G. VCF-style: chr17-80184182-A-G. GRCh37 (hg19) VCF-style: chr17-78157981-A-G.
Other names: c.619A>G, p.Asn207Asp (NM_001257970.1, NM_024110.4); short protein forms N207D.
Identifiers: ClinVar variation 2932260 (VCV002932260.4), dbSNP rs2510589244, ClinGen allele CA401337835.

ClinVar aggregate classification (germline): Uncertain significance. Review status: criteria provided, multiple submitters, no conflicts (2 of 4 stars). 2 submissions from 2 submitters: Uncertain significance (2). Last evaluated 2023-05-25.

Conditions:
Pityriasis rubra pilaris (PRP). Also called: Pityriasis rubra pilaris--familial type. Identifiers: Orphanet 2897, MedGen C0032027, MONDO:0100017, OMIM 173200, MONDO:0008251.
Psoriasis 2. Identifiers: MedGen C1864497, MONDO:0011269, OMIM 602723.

Submissions (2):

GeneDx
Classification: Uncertain significance. Last evaluated: 2023-05-25. Review status: criteria provided, single submitter. Criteria: GeneDx Variant Classification Process June 2021. Collection method: clinical testing. Allele origin: germline. Affected: yes.
Comment: Not observed at significant frequency in large population cohorts (gnomAD); In silico analysis supports that this missense variant does not alter protein structure/function; Has not been previously published as pathogenic or benign to our knowledge

Labcorp Genetics (formerly Invitae), Labcorp
Classification: Uncertain significance for Pityriasis rubra pilaris; Psoriasis 2. Last evaluated: 2023-01-10. Review status: criteria provided, single submitter. Criteria: Invitae Variant Classification Sherloc (09022015). Collection method: clinical testing. Allele origin: germline.
Comment: In summary, the available evidence is currently insufficient to determine the role of this variant in disease. Therefore, it has been classified as a Variant of Uncertain Significance. Advanced modeling of protein sequence and biophysical properties (such as structural, functional, and spatial information, amino acid conservation, physicochemical variation, residue mobility, and thermodynamic stability) performed at Invitae indicates that this missense variant is expected to disrupt CARD14 protein function. This variant has not been reported in the literature in individuals affected with CARD14-related conditions. This variant is not present in population databases (gnomAD no frequency). This sequence change replaces asparagine, which is neutral and polar, with aspartic acid, which is acidic and polar, at codon 207 of the CARD14 protein (p.Asn207Asp).